The following is an entry in ClinVar:

ClinVar aggregate classification (germline): Uncertain significance (1 of 4 stars; one submission).

Conditions:
Congenital sideroblastic anemia-B-cell immunodeficiency-periodic fever-developmental delay syndrome. Also called: Sideroblastic anemia with B-cell immunodeficiency, periodic fevers, and developmental delay. Identifiers: Orphanet 369861, MedGen C4015172, MONDO:0014487, OMIM 616084.

Allele frequency attached by ClinVar (database versions not stated): gnomAD exomes below 0.00001 and 0.00001; TOPMed below 0.00001; gnomAD 0.00001.
gnomAD v4.1: 8 of 1,613,840 alleles (0.0005%); highest among the groups gnomAD compares: African/African-American, 0.0013%; no homozygotes.

Submission:

Labcorp Genetics (formerly Invitae), Labcorp
Classification: Uncertain significance for Congenital sideroblastic anemia-B-cell immunodeficiency-periodic fever-developmental delay syndrome. Last evaluated: 2022-07-30. Review status: criteria provided, single submitter. Criteria: Invitae Variant Classification Sherloc (09022015). Collection method: clinical testing. Allele origin: germline.
Comment: This sequence change replaces alanine, which is neutral and non-polar, with glycine, which is neutral and non-polar, at codon 84 of the TRNT1 protein (p.Ala84Gly). This variant is present in population databases (no rsID available, gnomAD 0.004%). This variant has not been reported in the literature in individuals affected with TRNT1-related conditions. ClinVar contains an entry for this variant (Variation ID: 840669). Algorithms developed to predict the effect of missense changes on protein structure and function are either unavailable or do not agree on the potential impact of this missense change (SIFT: "Tolerated"; PolyPhen-2: "Probably Damaging"; Align-GVGD: "Class C0"). Algorithms developed to predict the effect of sequence changes on RNA splicing suggest that this variant may create or strengthen a splice site. In summary, the available evidence is currently insufficient to determine the role of this variant in disease. Therefore, it has been classified as a Variant of Uncertain Significance.

NM_182916.3(TRNT1):c.251C>G (p.Ala84Gly)

Gene: TRNT1 (tRNA nucleotidyl transferase 1; plus strand). Cytogenetic location: 3p26.2.
Variant type: single nucleotide variant.
Coding change: c.251C>G on transcript NM_182916.3 (MANE Select); coding-DNA position 251, C replaced by G.
Protein change: p.Ala84Gly; replaces alanine 84 with glycine.
Molecular consequence: missense variant. On other transcripts: non-coding transcript variant (8).
Genome position (GRCh38, 1-based): chr3:3,137,362, C>G. VCF-style: chr3-3137362-C-G. GRCh37 (hg19) VCF-style: chr3-3179046-C-G.
Other names: c.251C>G, p.Ala84Gly (NM_001302946.2, NM_001367321.1, NM_001367322.1 and 1 more transcripts); short protein forms A84G.
Identifiers: ClinVar variation 840669 (VCV000840669.4), dbSNP rs976462533, ClinGen allele CA68726802.